The following is an entry in ClinVar:

ClinVar aggregate classification (germline): Uncertain significance (1 of 4 stars; one submission).

Allele frequency attached by ClinVar (database versions not stated): gnomAD exomes below 0.00001.
gnomAD v4.1: 1 of 1,611,400 alleles (0.000062%); highest among the groups gnomAD compares: Admixed American, 0.0017%; no homozygotes.

Submission:

Labcorp Genetics (formerly Invitae), Labcorp
Classification: Uncertain significance. Last evaluated: 2024-02-05. Review status: criteria provided, single submitter. Criteria: Invitae Variant Classification Sherloc (09022015). Collection method: clinical testing. Allele origin: germline.
Comment: This sequence change replaces alanine, which is neutral and non-polar, with proline, which is neutral and non-polar, at codon 1795 of the KIAA1549 protein (p.Ala1795Pro). This variant is present in population databases (no rsID available, gnomAD 0.003%). This variant has not been reported in the literature in individuals affected with KIAA1549-related conditions. ClinVar contains an entry for this variant (Variation ID: 1475434). An algorithm developed to predict the effect of missense changes on protein structure and function (PolyPhen-2) suggests that this variant is likely to be disruptive. In summary, the available evidence is currently insufficient to determine the role of this variant in disease. Therefore, it has been classified as a Variant of Uncertain Significance.

NM_001164665.2(KIAA1549):c.5383G>C (p.Ala1795Pro)

Gene: KIAA1549 (KIAA1549; minus strand). Cytogenetic location: 7q34.
Variant type: single nucleotide variant.
Coding change: c.5383G>C on transcript NM_001164665.2 (MANE Select); coding-DNA position 5383, G replaced by C.
Protein change: p.Ala1795Pro; replaces alanine 1795 with proline.
Molecular consequence: missense variant.
Genome position (GRCh38, 1-based): chr7:138,844,386, C>G on the plus strand (G>C on the coding strand, the complement: KIAA1549 is on the minus strand). VCF-style: chr7-138844386-C-G. GRCh37 (hg19) VCF-style: chr7-138529131-C-G.
Other names: c.5383G>C, p.Ala1795Pro (NM_020910.3); short protein forms A1795P.
Identifiers: ClinVar variation 1475434 (VCV001475434.7), dbSNP rs1231664155, ClinGen allele CA369388626.